The following is an entry in ClinVar:

ClinVar aggregate classification (germline): Pathogenic (1 of 4 stars; one submission).

Conditions:
Bethlem myopathy 1A. Also called: Bethlem myopathy 1; Bethlem Muscular Dystrophy; MYOPATHY, BENIGN CONGENITAL, WITH CONTRACTURES. Identifiers: Orphanet 610, MedGen CN029274, MONDO:0024530, OMIM 158810.

Submission:

Labcorp Genetics (formerly Invitae), Labcorp
Classification: Pathogenic for Bethlem myopathy 1A. Last evaluated: 2025-03-27. Review status: criteria provided, single submitter. Criteria: Invitae Variant Classification Sherloc (09022015). Collection method: clinical testing. Allele origin: germline.
Comment: This sequence change creates a premature translational stop signal (p.Ala778Profs*53) in the COL6A1 gene. While this is not anticipated to result in nonsense mediated decay, it is expected to disrupt the last 251 amino acid(s) of the COL6A1 protein. This variant is not present in population databases (gnomAD no frequency). This premature translational stop signal has been observed in individual(s) with autosomal recessive Ullrich congenital muscular dystrophy (PMID: 23738969). In at least one individual the data is consistent with being in trans (on the opposite chromosome) from a pathogenic variant. For these reasons, this variant has been classified as Pathogenic.

Literature cited by the submitters: PubMed 23738969.

NM_001848.3(COL6A1):c.2328_2331dup (p.Ala778fs)

Gene: COL6A1 (collagen type VI alpha 1 chain; plus strand). Cytogenetic location: 21q22.3.
Variant type: Duplication.
Coding change: c.2328_2331dup on transcript NM_001848.3 (MANE Select); coding-DNA positions 2328 to 2331, 4 bases duplicated (CCTG; older notation c.2328_2331dupCCTG).
Protein change: p.Ala778fs; shifts the reading frame from alanine 778.
Molecular consequence: frameshift variant.
Genome position (GRCh38, 1-based): chr21:46,002,604-46,002,607, CCTG duplicated; duplicating any 4 consecutive bases within chr21:46,002,603-46,002,607 gives the same sequence; the c. name uses the placement nearest the transcript's 3' end. VCF-style (leftmost placement, unchanged base first): chr21-46002602-G-GGCCT. GRCh37 (hg19) VCF-style: chr21-47422516-G-GGCCT.
Other names: short protein forms A778fs.
Identifiers: ClinVar variation 4772003 (VCV004772003.1).
Genomic context (GRCh38, chr21:46,002,602, plus strand): 5'-ATCAAAGACGTGTTTGACTTCATCCCAGGCTCAGACCAGCTCAATGTCATTTCTTGCCAA[G>GGCCT]GCCTGGCACCATCCCAGGGCCGGCCCGGCCTCTCGCTGGTCAAGGAGAACTATGCAGAGC-3'